The following is an entry in ClinVar:

ClinVar aggregate classification (germline): Uncertain significance (1 of 4 stars; one submission).

Allele frequency attached by ClinVar (database versions not stated): gnomAD exomes below 0.00001; ExAC 0.00001; gnomAD 0.00001.
gnomAD v4.1: 5 of 1,613,532 alleles (0.00031%); highest among the groups gnomAD compares: African/African-American, 0.0053%; no homozygotes.

Submission:

Labcorp Genetics (formerly Invitae), Labcorp
Classification: Uncertain significance. Last evaluated: 2022-11-22. Review status: criteria provided, single submitter. Criteria: Invitae Variant Classification Sherloc (09022015). Collection method: clinical testing. Allele origin: germline.
Comment: Advanced modeling of protein sequence and biophysical properties (such as structural, functional, and spatial information, amino acid conservation, physicochemical variation, residue mobility, and thermodynamic stability) performed at Invitae indicates that this missense variant is not expected to disrupt EMC1 protein function. ClinVar contains an entry for this variant (Variation ID: 839652). This variant has not been reported in the literature in individuals affected with EMC1-related conditions. This variant is present in population databases (rs753788724, gnomAD 0.004%). This sequence change replaces phenylalanine, which is neutral and non-polar, with leucine, which is neutral and non-polar, at codon 432 of the EMC1 protein (p.Phe432Leu). In summary, the available evidence is currently insufficient to determine the role of this variant in disease. Therefore, it has been classified as a Variant of Uncertain Significance.

NM_015047.3(EMC1):c.1296C>G (p.Phe432Leu)

Genes: EMC1 (ER membrane protein complex subunit 1; minus strand), EMC1-AS1 (EMC1 antisense RNA 1; plus strand). Cytogenetic location: 1p36.13.
Variant type: single nucleotide variant.
Coding change: c.1296C>G on transcript NM_015047.3 (MANE Select); coding-DNA position 1296, C replaced by G.
Protein change: p.Phe432Leu; replaces phenylalanine 432 with leucine.
Molecular consequence: missense variant.
Genome position (GRCh38, 1-based): chr1:19,237,155, G>C on the plus strand (C>G on the coding strand, the complement: EMC1 is on the minus strand). VCF-style: chr1-19237155-G-C. GRCh37 (hg19) VCF-style: chr1-19563649-G-C.
Other names: c.1293C>G, p.Phe431Leu (NM_001271427.2, NM_001375821.1); c.1296C>G, p.Phe432Leu (NM_001271428.2, NM_001375820.1); c.1230C>G, p.Phe410Leu (NM_001271429.2); short protein forms F410L, F431L, F432L.
Identifiers: ClinVar variation 839652 (VCV000839652.11), dbSNP rs753788724, ClinGen allele CA652610.